The following is an entry in ClinVar:

ClinVar aggregate classification (germline): Uncertain significance. Review status: criteria provided, multiple submitters, no conflicts (2 of 4 stars). 2 submissions from 2 submitters: Uncertain significance (2). Last evaluated 2025-09-28.

Allele frequency attached by ClinVar (database versions not stated): ESP Exome Variant Server 0.00008; TOPMed 0.00003; ExAC 0.00001; gnomAD 0.00002.
gnomAD v4.1: 23 of 1,613,958 alleles (0.0014%); highest among the groups gnomAD compares: African/African-American, 0.0067%; no homozygotes.

Submissions (2):

Ambry Genetics
Classification: Uncertain significance. Last evaluated: 2025-09-28. Review status: criteria provided, single submitter. Criteria: Ambry Variant Classification Scheme 2023. Collection method: clinical testing. Allele origin: germline.

GeneDx
Classification: Uncertain significance. Last evaluated: 2023-01-06. Review status: criteria provided, single submitter. Criteria: GeneDx Variant Classification Process June 2021. Collection method: clinical testing. Allele origin: germline. Affected: yes.
Comment: Not observed at significant frequency in large population cohorts (gnomAD); In silico analysis supports that this missense variant has a deleterious effect on protein structure/function; Has not been previously published as pathogenic or benign to our knowledge

NM_012232.6(CAVIN1):c.187G>T (p.Gly63Trp)

Gene: CAVIN1 (caveolae associated protein 1; minus strand). Cytogenetic location: 17q21.2.
Variant type: single nucleotide variant.
Coding change: c.187G>T on transcript NM_012232.6 (MANE Select); coding-DNA position 187, G replaced by T.
Protein change: p.Gly63Trp; replaces glycine 63 with tryptophan.
Molecular consequence: missense variant.
Genome position (GRCh38, 1-based): chr17:42,422,911, C>A on the plus strand (G>T on the coding strand, the complement: CAVIN1 is on the minus strand). VCF-style: chr17-42422911-C-A. GRCh37 (hg19) VCF-style: chr17-40574929-C-A.
Other names: short protein forms G63W.
Identifiers: ClinVar variation 2571764 (VCV002571764.2), dbSNP rs376892295, ClinGen allele CA8575932.